The following is an entry in ClinVar:

ClinVar aggregate classification (germline): Uncertain significance (1 of 4 stars; one submission).

gnomAD v4.1: 19 of 1,538,920 alleles (0.0012%); highest among the groups gnomAD compares: African/African-American, 0.0028%; no homozygotes.

Submission:

GeneDx
Classification: Uncertain significance. Last evaluated: 2025-06-15. Review status: criteria provided, single submitter. Criteria: GeneDx Variant Classification Process June 2021. Collection method: clinical testing. Allele origin: germline. Affected: yes.
Comment: Not observed at significant frequency in large population cohorts (gnomAD); In silico analysis supports that this missense variant has a deleterious effect on protein structure/function; Has not been previously published as pathogenic or benign to our knowledge; Reported using an alternate transcript of the gene

NM_001018005.2(TPM1):c.240+4498G>T

Genes: TPM1 (tropomyosin 1; plus strand), TPM1-AS (TPM1 antisense RNA; minus strand), LOC130057222 (ATAC-STARR-seq lymphoblastoid silent region 6507; plus strand). Cytogenetic location: 15q22.2.
Variant type: single nucleotide variant.
Coding change: c.240+4498G>T on transcript NM_001018005.2 (MANE Select); 4498 bases into the intron after coding-DNA position 240, G replaced by T.
Molecular consequence: intron variant. On other transcripts: non-coding transcript variant (1), missense variant (8).
Genome position (GRCh38, 1-based): chr15:63,048,650, G>T. VCF-style: chr15-63048650-G-T. GRCh37 (hg19) VCF-style: chr15-63340849-G-T.
Other names: c.75G>T, p.Glu25Asp (NM_001018008.2, NM_001301289.2, NM_001330344.2 and 5 more transcripts); c.366+4498G>T (NM_001365778.1); c.240+4819G>T (NM_001018020.2, NM_001018007.2, NM_001301244.2); c.240+4498G>T (NM_001018006.2, NM_001365776.1, NM_001018004.2 and 3 more transcripts); short protein forms E25D.
Identifiers: ClinVar variation 4538769 (VCV004538769.1).